The following is an entry in ClinVar:

ClinVar aggregate classification (germline): Likely benign (1 of 4 stars; one submission).

gnomAD v4.1: 10 of 1,611,398 alleles (0.00062%); highest among the groups gnomAD compares: Admixed American, 0.0017%; no homozygotes.

Submission:

CeGaT Center for Human Genetics Tuebingen
Classification: Likely benign. Last evaluated: 2026-03-01. Review status: criteria provided, single submitter. Criteria: CeGaT Center For Human Genetics Tuebingen Variant Classification Criteria Version 2. Collection method: clinical testing. Allele origin: germline. Affected: yes. Observed: 2 variant alleles.
Comment: CUX2: BP4, BS2

NM_015267.4(CUX2):c.383G>A (p.Arg128Gln)

Gene: CUX2 (cut like homeobox 2; plus strand). Cytogenetic location: 12q24.11.
Variant type: single nucleotide variant.
Coding change: c.383G>A on transcript NM_015267.4 (MANE Select); coding-DNA position 383, G replaced by A.
Protein change: p.Arg128Gln; replaces arginine 128 with glutamine.
Molecular consequence: missense variant.
Genome position (GRCh38, 1-based): chr12:111,291,499, G>A. VCF-style: chr12-111291499-G-A. GRCh37 (hg19) VCF-style: chr12-111729303-G-A.
Other names: c.197G>A, p.Arg66Gln (NM_001370598.1); short protein forms R128Q, R66Q.
Identifiers: ClinVar variation 3778109 (VCV003778109.7).